The following is an entry in ClinVar:

NM_000465.4(BARD1):c.1216C>G (p.Arg406Gly)

Gene: BARD1 (BRCA1 associated RING domain 1; minus strand). Cytogenetic location: 2q35.
Variant type: single nucleotide variant.
Coding change: c.1216C>G on transcript NM_000465.4 (MANE Select); coding-DNA position 1216, C replaced by G.
Protein change: p.Arg406Gly; replaces arginine 406 with glycine.
Molecular consequence: missense variant. On other transcripts: non-coding transcript variant (2), intron variant (3).
Genome position (GRCh38, 1-based): chr2:214,780,658, G>C on the plus strand (C>G on the coding strand, the complement: BARD1 is on the minus strand). VCF-style: chr2-214780658-G-C. GRCh37 (hg19) VCF-style: chr2-215645382-G-C.
Other names: p.R406G:CGA>GGA; c.1159C>G, p.Arg387Gly (NM_001282543.2); c.159-28103C>G (NM_001282548.2); c.215+16403C>G (NM_001282545.2); c.364+11639C>G (NM_001282549.2); short protein forms R406G, R387G.
Identifiers: ClinVar variation 141873 (VCV000141873.26), dbSNP rs377153250, ClinGen allele CA294208.

ClinVar aggregate classification (germline): Conflicting classifications of pathogenicity. Review status: criteria provided, conflicting classifications (1 of 4 stars). 6 submissions from 6 submitters: Uncertain significance (4); Likely benign (2). Last evaluated 2025-09-10.

Conditions:
Hereditary cancer-predisposing syndrome. Also called: Tumor predisposition; Hereditary neoplastic syndrome; Hereditary Cancer Syndrome; Neoplastic Syndromes, Hereditary. Identifiers: Orphanet 140162, MedGen C0027672, MeSH D009386, MONDO:0015356.
Familial cancer of breast. Also called: Hereditary breast cancer; hereditary breast carcinoma; BREAST CANCER, FAMILIAL. Identifiers: Orphanet 227535, MedGen C0346153, MONDO:0016419, OMIM 114480. Disease mechanism: loss of function.

Allele frequency attached by ClinVar (database versions not stated): TOPMed 0.00002; ESP Exome Variant Server 0.00008.
gnomAD v4.1: 18 of 1,613,904 alleles (0.0011%); highest among the groups gnomAD compares: African/African-American, 0.004%; no homozygotes.

Submissions (6):

Labcorp Genetics (formerly Invitae), Labcorp
Classification: Uncertain significance for Familial cancer of breast. Last evaluated: 2025-09-10. Review status: criteria provided, single submitter. Criteria: Invitae Variant Classification Sherloc (09022015). Collection method: clinical testing. Allele origin: germline.
Comment: This sequence change replaces arginine, which is basic and polar, with glycine, which is neutral and non-polar, at codon 406 of the BARD1 protein (p.Arg406Gly). This variant is present in population databases (rs377153250, gnomAD 0.007%). This variant has not been reported in the literature in individuals affected with BARD1-related conditions. ClinVar contains an entry for this variant (Variation ID: 141873). An algorithm developed to predict the effect of missense changes on protein structure and function (PolyPhen-2) suggests that this variant is likely to be tolerated. In summary, the available evidence is currently insufficient to determine the role of this variant in disease. Therefore, it has been classified as a Variant of Uncertain Significance.

CeGaT Center for Human Genetics Tuebingen
Classification: Likely benign. Last evaluated: 2025-03-01. Review status: criteria provided, single submitter. Criteria: CeGaT Center For Human Genetics Tuebingen Variant Classification Criteria Version 2. Collection method: clinical testing. Allele origin: germline. Affected: yes. Observed: 1 variant allele.
Comment: BARD1: BP1, BP4

GeneDx
Classification: Uncertain significance. Last evaluated: 2025-02-02. Review status: criteria provided, single submitter. Criteria: GeneDx Variant Classification Process June 2021. Collection method: clinical testing. Allele origin: germline. Affected: yes.
Comment: Not observed at significant frequency in large population cohorts (gnomAD); In silico analysis indicates that this missense variant does not alter protein structure/function; Observed in individual(s) undergoing clinical testing for Hereditary Breast and Ovarian Cancer syndrome (PMID: 25318351); Published functional studies demonstrate protein expression and homology-directed repair activity similar to wild type (PMID: 26350354); This variant is associated with the following publications: (PMID: 25318351, 26350354)

Baylor Genetics
Classification: Uncertain significance for Familial cancer of breast. Last evaluated: 2023-06-01. Review status: criteria provided, single submitter. Criteria: ACMG Guidelines, 2015. Collection method: clinical testing. Allele origin: unknown.

Ambry Genetics
Classification: Likely benign for Hereditary cancer-predisposing syndrome. Last evaluated: 2021-07-01. Review status: criteria provided, single submitter. Criteria: Ambry Variant Classification Scheme 2023. Collection method: clinical testing. Allele origin: germline.

Color Diagnostics, LLC DBA Color Health
Classification: Uncertain significance for Hereditary cancer-predisposing syndrome. Last evaluated: 2019-06-23. Review status: criteria provided, single submitter. Criteria: ACMG Guidelines, 2015. Collection method: clinical testing. Allele origin: germline.

Literature cited by the submitters: PubMed 25318351 (cited by Ambry Genetics); PubMed 26350354 (cited by Ambry Genetics).